The following is an entry in ClinVar:

ClinVar aggregate classification (germline): Uncertain significance (1 of 4 stars; one submission).

Conditions:
Hypertrophic cardiomyopathy. Also called: HYPERTROPHIC MYOCARDIOPATHY. Identifiers: Orphanet 217569, MedGen C0007194, MeSH D002312, MONDO:0005045, HP:0001639.

Submission:

Labcorp Genetics (formerly Invitae), Labcorp
Classification: Uncertain significance for Hypertrophic cardiomyopathy. Last evaluated: 2023-05-15. Review status: criteria provided, single submitter. Criteria: Invitae Variant Classification Sherloc (09022015). Collection method: clinical testing. Allele origin: germline.
Comment: ClinVar contains an entry for this variant (Variation ID: 2087630). In summary, the available evidence is currently insufficient to determine the role of this variant in disease. Therefore, it has been classified as a Variant of Uncertain Significance. This variant is found within a region of MYH7 between codons 181 and 937 that contains the majority of the myosin head domain. Missense variants in this region have been shown to be significantly overrepresented in individuals with hypertrophic cardiomyopathy (PMID: 27532257). Advanced modeling of protein sequence and biophysical properties (such as structural, functional, and spatial information, amino acid conservation, physicochemical variation, residue mobility, and thermodynamic stability) performed at Invitae indicates that this missense variant is expected to disrupt MYH7 protein function. This variant has not been reported in the literature in individuals affected with MYH7-related conditions. This variant is not present in population databases (gnomAD no frequency). This sequence change replaces lysine, which is basic and polar, with asparagine, which is neutral and polar, at codon 551 of the MYH7 protein (p.Lys551Asn).

Literature cited by the submitters: PubMed 27532257.

NM_000257.4(MYH7):c.1653G>T (p.Lys551Asn)

Gene: MYH7 (myosin heavy chain 7; minus strand). Cytogenetic location: 14q11.2.
Variant type: single nucleotide variant.
Coding change: c.1653G>T on transcript NM_000257.4 (MANE Select); coding-DNA position 1653, G replaced by T.
Protein change: p.Lys551Asn; replaces lysine 551 with asparagine.
Molecular consequence: missense variant.
Genome position (GRCh38, 1-based): chr14:23,427,820, C>A on the plus strand (G>T on the coding strand, the complement: MYH7 is on the minus strand). VCF-style: chr14-23427820-C-A. GRCh37 (hg19) VCF-style: chr14-23897029-C-A.
Other names: c.1653G>T, p.Lys551Asn (NM_001407004.1); short protein forms K551N.
Identifiers: ClinVar variation 2087630 (VCV002087630.4), dbSNP rs368160680, ClinGen allele CA389050107.
Genomic context (GRCh38, chr14:23,427,820, plus strand): 5'-CCCCTTGATATTGCGTGGCTTCTGGAAGTTGGCGGATTTGCCCAGGTGGTTGTCAAACAG[C>A]TTGGCCTTGAAGGTCATGTCGGTGGCCTTGGGGAACATGCACTCCTCTTCCAGGATGGAC-3'
Protein context (NP_000248.2, residues 541-561): PKATDMTFKA[Lys551Asn]LFDNHLGKSA